The following is an entry in ClinVar:

ClinVar aggregate classification (germline): Uncertain significance (1 of 4 stars; one submission).

Conditions:
Bethlem myopathy 1A. Also called: Bethlem Muscular Dystrophy; MYOPATHY, BENIGN CONGENITAL, WITH CONTRACTURES; Bethlem myopathy 1. Identifiers: Orphanet 610, MedGen CN029274, MONDO:0024530, OMIM 158810.

Allele frequency attached by ClinVar (database versions not stated): gnomAD exomes below 0.00001 and 0.00001.
gnomAD v4.1: 10 of 1,612,940 alleles (0.00062%); highest among the groups gnomAD compares: South Asian, 0.0011%; no homozygotes.

Submission:

Labcorp Genetics (formerly Invitae), Labcorp
Classification: Uncertain significance for Bethlem myopathy 1A. Last evaluated: 2022-11-22. Review status: criteria provided, single submitter. Criteria: Invitae Variant Classification Sherloc (09022015). Collection method: clinical testing. Allele origin: germline.
Comment: ClinVar contains an entry for this variant (Variation ID: 949021). In summary, the available evidence is currently insufficient to determine the role of this variant in disease. Therefore, it has been classified as a Variant of Uncertain Significance. This variant disrupts the triple helix domain of COL6A2. Glycine residues within the Gly-Xaa-Yaa repeats of the triple helix domain are required for the structure and stability of fibrillar collagens (PMID: 7695699, 8218237, 19344236). In COL6A2, missense variants at these glycine residues are significantly enriched in individuals with autosomal dominant disease (PMID: 15689448, 24038877) compared to the general population (ExAC). Advanced modeling of protein sequence and biophysical properties (such as structural, functional, and spatial information, amino acid conservation, physicochemical variation, residue mobility, and thermodynamic stability) performed at Invitae indicates that this missense variant is expected to disrupt COL6A2 protein function. This variant has not been reported in the literature in individuals affected with COL6A2-related conditions. This variant is present in population databases (no rsID available, gnomAD 0.003%). This sequence change replaces glycine, which is neutral and non-polar, with serine, which is neutral and polar, at codon 564 of the COL6A2 protein (p.Gly564Ser).

Literature cited by the submitters: PubMed 7695699; PubMed 8218237; PubMed 19344236; PubMed 15689448; PubMed 24038877.

NM_001849.4(COL6A2):c.1690G>A (p.Gly564Ser)

Gene: COL6A2 (collagen type VI alpha 2 chain; plus strand). Cytogenetic location: 21q22.3.
Variant type: single nucleotide variant.
Coding change: c.1690G>A on transcript NM_001849.4 (MANE Select); coding-DNA position 1690, G replaced by A.
Protein change: p.Gly564Ser; replaces glycine 564 with serine.
Molecular consequence: missense variant.
Genome position (GRCh38, 1-based): chr21:46,124,669, G>A. VCF-style: chr21-46124669-G-A. GRCh37 (hg19) VCF-style: chr21-47544583-G-A.
Other names: c.1690G>A, p.Gly564Ser (NM_058174.3, NM_058175.3); short protein forms G564S.
Identifiers: ClinVar variation 949021 (VCV000949021.8), dbSNP rs1172190604, ClinGen allele CA410535872.